The following is an entry in ClinVar:

ClinVar aggregate classification (germline): Uncertain significance (1 of 4 stars; one submission).

Conditions:
PLA2G6-associated neurodegeneration (PLAN). Also called: phospholipase A2-associated neurodegeneration. Identifiers: Orphanet 329303, MedGen CN204472, MONDO:0017998.

Submission:

Broad Center for Mendelian Genomics, Broad Institute of MIT and Harvard
Classification: Uncertain significance for PLA2G6-associated neurodegeneration. Last evaluated: 2025-06-06. Review status: criteria provided, single submitter. Criteria: ACMG/ClinGen CNV Guidelines, 2019. Collection method: curation. Allele origin: unknown. Inheritance: Autosomal recessive inheritance.
Comment: The duplication of exons 4-7 of PLA2G6 was identified, in the compound heterozygous state with a variant of uncertain significance (VCV001176774.25), in an individual with infantile neuroaxonal dystrophy (PMID: 20226704), and has been identified in 0.005% (3/59080) of European (non-Finnish) chromosomes by the Genome Aggregation Database (gnomAD). Although this variant has been seen in the general population in a heterozygous state, its frequency is low enough to be consistent with a recessive carrier frequency. This intragenic variant is not predicted to cause a frameshift, and is more likely to escape nonsense mediated decay (NMD) and result in a truncated protein. Loss of function of PLA2G6 is an established disease mechanism in autosomal recessive myopathy. In vitro functional studies provide some evidence that the duplication may impact protein function (PMID: 20226704). However, these types of assays may not accurately represent biological function. In summary, while there is some suspicion for a pathogenic role, the clinical significance of this variant is uncertain. The ACMG/ClinGen evidence codes and points used in this curation are as follows: 1A: 0 points, 2E: 0.45 points, 3A: 0 points, 4E: 0.08 points, 5G: 0 points, Functional evidence: 0.30 points; Total: 0.83 points; Riggs 2020 (PMID: 31690835).

Literature cited by the submitters: PubMed 26668131.

Single allele

Gene: PLA2G6 (phospholipase A2 group VI; minus strand). Cytogenetic location: 22q13.1.
Variant type: Duplication.
Identifiers: ClinVar variation 4056469 (VCV004056469.1).